The following is an entry in ClinVar:

ClinVar aggregate classification (germline): Conflicting classifications of pathogenicity. Review status: criteria provided, conflicting classifications (1 of 4 stars). 3 submissions from 3 submitters: Uncertain significance (1); Likely benign (1). 1 of the submissions does not count toward it. Last evaluated 2022-06-05.

Conditions:
NOTCH2-related disorder. Also called: NOTCH2-related condition.
Hajdu-Cheney syndrome (HJCYS). Also called: ACROOSTEOLYSIS WITH OSTEOPOROSIS AND CHANGES IN SKULL AND MANDIBLE; SERPENTINE FIBULA-POLYCYSTIC KIDNEY SYNDROME; Acroosteolysis dominant type. Identifiers: Orphanet 955, MedGen C0917715, MONDO:0007057, OMIM 102500.

Allele frequency attached by ClinVar (database versions not stated): gnomAD exomes below 0.00001; TOPMed 0.00002; ESP Exome Variant Server 0.00008.

Submissions (3):

Labcorp Genetics (formerly Invitae), Labcorp
Classification: Likely benign for Hajdu-Cheney syndrome. Last evaluated: 2022-06-05. Review status: criteria provided, single submitter. Criteria: Invitae Variant Classification Sherloc (09022015). Collection method: clinical testing. Allele origin: germline.

Eurofins Ntd Llc (ga)
Classification: Uncertain significance. Last evaluated: 2017-10-03. Review status: criteria provided, single submitter. Criteria: EGL Classification Definitions 2015. Collection method: clinical testing. Allele origin: germline. Observed: 2 variant alleles, 2 heterozygotes.

PreventionGenetics, part of Exact Sciences
Classification: Likely benign for NOTCH2-related condition. Last evaluated: 2019-03-26. Review status: no assertion criteria provided. Collection method: clinical testing. Allele origin: germline. Not counted in ClinVar's aggregate classification.
Comment: This variant is classified as likely benign based on ACMG/AMP sequence variant interpretation guidelines (Richards et al. 2015 PMID: 25741868, with internal and published modifications).

NM_024408.4(NOTCH2):c.3789A>C (p.Gly1263=)

Gene: NOTCH2 (notch receptor 2; minus strand). Cytogenetic location: 1p12.
Variant type: single nucleotide variant.
Coding change: c.3789A>C on transcript NM_024408.4 (MANE Select); coding-DNA position 3789, A replaced by C.
Protein change: p.Gly1263=; no amino-acid change (glycine 1263 retained).
Molecular consequence: synonymous variant.
Genome position (GRCh38, 1-based): chr1:119,929,079, T>G on the plus strand (A>C on the coding strand, the complement: NOTCH2 is on the minus strand). VCF-style: chr1-119929079-T-G. GRCh37 (hg19) VCF-style: chr1-120471702-T-G.
Other names: c.3789A>C (NM_024408.3).
Identifiers: ClinVar variation 499364 (VCV000499364.12), dbSNP rs149036937, ClinGen allele CA30320395.
Genomic context (GRCh38, chr1:119,929,079, plus strand): 5'-CTGTATACAGTCCAGGCTGCCCTCAGAGCTGCAGGGGTTGGAGAGGCACTCGTTGATGTC[T>G]CCCTCACAACGCTCCCCAGCAAAGCCAGGCAAGCAGCGACAACTGTAGCCTCCAATCCTA-3'
Protein context (NP_077719.2, residues 1253-1273): LPGFAGERCE[Gly1263=]DINECLSNPC